The following is an entry in ClinVar:

NM_001846.4(COL4A2):c.827G>A (p.Gly276Asp)

Gene: COL4A2 (collagen type IV alpha 2 chain; plus strand). Cytogenetic location: 13q34.
Variant type: single nucleotide variant.
Coding change: c.827G>A on transcript NM_001846.4 (MANE Select); coding-DNA position 827, G replaced by A.
Protein change: p.Gly276Asp; replaces glycine 276 with aspartic acid.
Molecular consequence: missense variant.
Genome position (GRCh38, 1-based): chr13:110,438,003, G>A. VCF-style: chr13-110438003-G-A. GRCh37 (hg19) VCF-style: chr13-111090350-G-A.
Other names: short protein forms G276D.
Identifiers: ClinVar variation 881574 (VCV000881574.39), dbSNP rs372917662, ClinGen allele CA7049135.

ClinVar aggregate classification (germline): Conflicting classifications of pathogenicity. Review status: criteria provided, conflicting classifications (1 of 4 stars). 4 submissions from 4 submitters: Uncertain significance (2); Likely benign (2). Last evaluated 2025-02-16.

Conditions:
Brain small vessel disease 2A, autosomal dominant. Also called: Porencephaly 2. Identifiers: Orphanet 2940, Orphanet 99810, MedGen C3280970, MONDO:0013773, OMIM 614483.

Allele frequency attached by ClinVar (database versions not stated): gnomAD 0.00001.
gnomAD v4.1: 17 of 1,612,364 alleles (0.0011%); highest among the groups gnomAD compares: Non-Finnish European, 0.00051%; no homozygotes.

Submissions (4):

Laboratory of Genetics, Children's Clinical University Hospital Latvia
Classification: Likely benign. Last evaluated: 2025-02-16. Review status: criteria provided, single submitter. Criteria: ACMG Guidelines, 2015. Collection method: clinical testing. Allele origin: germline. Affected: yes.

Blueprint Genetics
Classification: Likely benign. Last evaluated: 2023-06-19. Review status: criteria provided, single submitter. Criteria: ACMG Guidelines, 2015. Collection method: clinical testing. Allele origin: germline.

CeGaT Center for Human Genetics Tuebingen
Classification: Uncertain significance. Last evaluated: 2022-03-01. Review status: criteria provided, single submitter. Criteria: CeGaT Center For Human Genetics Tuebingen Variant Classification Criteria Version 2. Collection method: clinical testing. Allele origin: germline. Affected: yes. Observed: 1 variant allele.
Comment: COL4A2: PM1, PP2, PP3

Illumina Laboratory Services, Illumina
Classification: Uncertain significance for Brain small vessel disease 2A, autosomal dominant. Last evaluated: 2018-01-13. Review status: criteria provided, single submitter. Criteria: ICSL Variant Classification Criteria 13 December 2019. Collection method: clinical testing. Allele origin: germline.